The following is an entry in ClinVar:

ClinVar aggregate classification (germline): Likely benign (1 of 4 stars; one submission).

Allele frequency attached by ClinVar (database versions not stated): ExAC 0.00003; gnomAD 0.00005; gnomAD exomes 0.00010; 1000 Genomes Project 30x 0.00016.
gnomAD v4.1: 154 of 1,606,296 alleles (0.0096%); highest among the groups gnomAD compares: South Asian, 0.051%; 9 homozygotes.

Submission:

CeGaT Center for Human Genetics Tuebingen
Classification: Likely benign. Last evaluated: 2024-02-01. Review status: criteria provided, single submitter. Criteria: CeGaT Center For Human Genetics Tuebingen Variant Classification Criteria Version 2. Collection method: clinical testing. Allele origin: germline. Affected: yes. Observed: 4 variant alleles.
Comment: HNRNPCL1: BP4, BP7

NM_001013631.3(HNRNPCL1):c.435T>C (p.Arg145=)

Gene: HNRNPCL1 (heterogeneous nuclear ribonucleoprotein C like 1; minus strand). Cytogenetic location: 1p36.21.
Variant type: single nucleotide variant.
Coding change: c.435T>C on transcript NM_001013631.3 (MANE Select); coding-DNA position 435, T replaced by C.
Protein change: p.Arg145=; no amino-acid change (arginine 145 retained).
Molecular consequence: synonymous variant.
Genome position (GRCh38, 1-based): chr1:12,847,855, A>G on the plus strand (T>C on the coding strand, the complement: HNRNPCL1 is on the minus strand). VCF-style: chr1-12847855-A-G. GRCh37 (hg19) VCF-style: chr1-12907708-A-G.
Identifiers: ClinVar variation 2638267 (VCV002638267.24), dbSNP rs4026149, ClinGen allele CA607594.
Genomic context (GRCh38, chr1:12,847,855, plus strand): 5'-TCCACTCTTAGAATTGAAGCCACTTTTGCCCCTTCGTGAGGTGTTTCCTGATAGACGTTG[A>G]CGTTTCGAGGGCACTACAGCCAGAGCAATGGGAGGAGGAGGAGGTACACGTGCTGGGAAA-3'
Protein context (NP_001013653.1, residues 135-155): PIALAVVPSK[Arg145=]QRLSGNTSRR